The following is an entry in ClinVar:

ClinVar aggregate classification (germline): Benign. Review status: criteria provided, multiple submitters, no conflicts (2 of 4 stars). 2 submissions from 2 submitters: Benign (2). Last evaluated 2018-01-13.

Conditions:
Cutis laxa with osteodystrophy (ARCL2A). Also called: Debré-Type Cutis Laxa; CUTIS LAXA WITH CONGENITAL DISORDER OF GLYCOSYLATION; CUTIS LAXA, AUTOSOMAL RECESSIVE, TYPE IIA; CUTIS LAXA WITH BONE DYSTROPHY; CUTIS LAXA WITH GROWTH AND DEVELOPMENTAL DELAY; CUTIS LAXA WITH JOINT LAXITY AND RETARDED DEVELOPMENT. Identifiers: Orphanet 357058, MedGen C0268355, MONDO:0018163, OMIM 219200. Disease mechanism: loss of function.

Allele frequency attached by ClinVar (database versions not stated): gnomAD 0.05337 and 0.05009; 1000 Genomes Project 30x 0.05996; TOPMed 0.05631; 1000 Genomes Project 0.05671.

Submissions (2):

Illumina Laboratory Services, Illumina
Classification: Benign for Cutis laxa with osteodystrophy. Last evaluated: 2018-01-13. Review status: criteria provided, single submitter. Criteria: ICSL Variant Classification Criteria 13 December 2019. Collection method: clinical testing. Allele origin: germline.
Comment: This variant was observed in the ICSL laboratory as part of a predisposition screen in an ostensibly healthy population. It had not been previously curated by ICSL or reported in the Human Gene Mutation Database (HGMD: prior to June 1st, 2018), and was therefore a candidate for classification through an automated scoring system. Utilizing variant allele frequency, disease prevalence and penetrance estimates, and inheritance mode, an automated score was calculated to assess if this variant is too frequent to cause the disease. Based on the score and internal cut-off values, a variant classified as benign is not then subjected to further curation. The score for this variant resulted in a classification of benign for this disease.

Breakthrough Genomics
Classification: Benign. Review status: criteria provided, single submitter. Criteria: ACMG Guidelines, 2015. Collection method: not provided. Allele origin: germline. Inheritance: Autosomal recessive inheritance. Affected: yes.

NM_012463.4(ATP6V0A2):c.*574C>T

Gene: ATP6V0A2 (ATPase H+ transporting V0 subunit a2; plus strand). Cytogenetic location: 12q24.31.
Variant type: single nucleotide variant.
Coding change: c.*574C>T on transcript NM_012463.4 (MANE Select); 574 bases downstream of the stop codon, C replaced by T.
Molecular consequence: 3 prime UTR variant.
Genome position (GRCh38, 1-based): chr12:123,758,606, C>T. VCF-style: chr12-123758606-C-T. GRCh37 (hg19) VCF-style: chr12-124243153-C-T.
Identifiers: ClinVar variation 307605 (VCV000307605.6), dbSNP rs112521789, ClinGen allele CA10640487.